The following is an entry in ClinVar:

ClinVar aggregate classification (germline): Uncertain significance (1 of 4 stars; one submission).

Conditions:
Hereditary motor and sensory neuropathy, Okinawa type (HMSNO). Also called: HEREDITARY MOTOR AND SENSORY NEUROPATHY, PROXIMAL TYPE. Identifiers: Orphanet 90117, MedGen C1858338, MONDO:0011468, OMIM 604484.
Hereditary spastic paraplegia 57. Also called: Spastic paraplegia 57, autosomal recessive. Identifiers: Orphanet 431329, MedGen C3714897, MONDO:0014295, OMIM 615658.

Submission:

Labcorp Genetics (formerly Invitae), Labcorp
Classification: Uncertain significance for Hereditary motor and sensory neuropathy, Okinawa type; Hereditary spastic paraplegia 57. Last evaluated: 2025-08-06. Review status: criteria provided, single submitter. Criteria: Invitae Variant Classification Sherloc (09022015). Collection method: clinical testing. Allele origin: germline.
Comment: This sequence change replaces methionine, which is neutral and non-polar, with isoleucine, which is neutral and non-polar, at codon 165 of the TFG protein (p.Met165Ile). This variant is not present in population databases (gnomAD no frequency). This variant has not been reported in the literature in individuals affected with TFG-related conditions. Invitae Evidence Modeling of protein sequence and biophysical properties (such as structural, functional, and spatial information, amino acid conservation, physicochemical variation, residue mobility, and thermodynamic stability) indicates that this missense variant is not expected to disrupt TFG protein function with a negative predictive value of 80%. In summary, the available evidence is currently insufficient to determine the role of this variant in disease. Therefore, it has been classified as a Variant of Uncertain Significance.

NM_006070.6(TFG):c.495G>T (p.Met165Ile)

Gene: TFG (trafficking from ER to golgi regulator; plus strand). Cytogenetic location: 3q12.2.
Variant type: single nucleotide variant.
Coding change: c.495G>T on transcript NM_006070.6 (MANE Select); coding-DNA position 495, G replaced by T.
Protein change: p.Met165Ile; replaces methionine 165 with isoleucine.
Molecular consequence: missense variant.
Genome position (GRCh38, 1-based): chr3:100,732,587, G>T. VCF-style: chr3-100732587-G-T. GRCh37 (hg19) VCF-style: chr3-100451431-G-T.
Other names: c.495G>T, p.Met165Ile (NM_001007565.2, NM_001195478.2, NM_001195479.2); short protein forms M165I.
Identifiers: ClinVar variation 4791700 (VCV004791700.1).